The following is an entry in ClinVar:

ClinVar aggregate classification (germline): Uncertain significance. Review status: criteria provided, single submitter (1 of 4 stars). 2 submissions from 2 submitters: Uncertain significance (1). 1 of the submissions does not count toward it. Last evaluated 2023-12-12.

Conditions:
SEMA3E-related disorder. Also called: SEMA3E-related condition.
CHARGE syndrome (CHARGE). Also called: Hittner Hirsch Kreh syndrome; CHARGE ASSOCIATION--COLOBOMA, HEART ANOMALY, CHOANAL ATRESIA, RETARDATION, GENITAL AND EAR ANOMALIES; Coloboma, heart anomaly, choanal atresia, retardation, genital and ear anomalies; CHARGE association; Hall-Hittner syndrome. Identifiers: Orphanet 138, MedGen C0265354, MONDO:0008965.

Allele frequency attached by ClinVar (database versions not stated): TOPMed below 0.00001; ExAC 0.00001; gnomAD 0.00002; gnomAD exomes 0.00002.
gnomAD v4.1: 34 of 1,613,926 alleles (0.0021%); highest among the groups gnomAD compares: Non-Finnish European, 0.0027%; no homozygotes.

Submissions (2):

Labcorp Genetics (formerly Invitae), Labcorp
Classification: Uncertain significance for CHARGE syndrome. Last evaluated: 2023-12-12. Review status: criteria provided, single submitter. Criteria: Invitae Variant Classification Sherloc (09022015). Collection method: clinical testing. Allele origin: germline.
Comment: This sequence change replaces isoleucine, which is neutral and non-polar, with methionine, which is neutral and non-polar, at codon 423 of the SEMA3E protein (p.Ile423Met). This variant is present in population databases (rs779652369, gnomAD 0.004%). This variant has not been reported in the literature in individuals affected with SEMA3E-related conditions. Advanced modeling of protein sequence and biophysical properties (such as structural, functional, and spatial information, amino acid conservation, physicochemical variation, residue mobility, and thermodynamic stability) performed at Invitae indicates that this missense variant is not expected to disrupt SEMA3E protein function with a negative predictive value of 80%. In summary, the available evidence is currently insufficient to determine the role of this variant in disease. Therefore, it has been classified as a Variant of Uncertain Significance.

PreventionGenetics, part of Exact Sciences
Classification: Uncertain significance for SEMA3E-related condition. Last evaluated: 2023-10-20. Review status: no assertion criteria provided. Collection method: clinical testing. Allele origin: germline. Not counted in ClinVar's aggregate classification.
Comment: The SEMA3E c.1269A>G variant is predicted to result in the amino acid substitution p.Ile423Met. To our knowledge, this variant has not been reported in the literature. This variant is reported in 0.0040% of alleles in individuals of African descent in gnomAD. At this time, the clinical significance of this variant is uncertain due to the absence of conclusive functional and genetic evidence.

NM_012431.3(SEMA3E):c.1269A>G (p.Ile423Met)

Gene: SEMA3E (semaphorin 3E; minus strand). Cytogenetic location: 7q21.11.
Variant type: single nucleotide variant.
Coding change: c.1269A>G on transcript NM_012431.3 (MANE Select); coding-DNA position 1269, A replaced by G.
Protein change: p.Ile423Met; replaces isoleucine 423 with methionine.
Molecular consequence: missense variant.
Genome position (GRCh38, 1-based): chr7:83,400,125, T>C on the plus strand (A>G on the coding strand, the complement: SEMA3E is on the minus strand). VCF-style: chr7-83400125-T-C. GRCh37 (hg19) VCF-style: chr7-83029441-T-C.
Other names: c.1269A>G (NM_012431.2); c.1089A>G, p.Ile363Met (NM_001178129.2); short protein forms I363M, I423M.
Identifiers: ClinVar variation 2887307 (VCV002887307.4), dbSNP rs779652369, ClinGen allele CA4322077.